The following is an entry in ClinVar:

ClinVar aggregate classification (germline): Uncertain significance (1 of 4 stars; one submission).

Allele frequency attached by ClinVar (database versions not stated): gnomAD 0.00001; TOPMed 0.00001.

Submission:

Labcorp Genetics (formerly Invitae), Labcorp
Classification: Uncertain significance. Last evaluated: 2022-02-04. Review status: criteria provided, single submitter. Criteria: Invitae Variant Classification Sherloc (09022015). Collection method: clinical testing. Allele origin: germline.
Comment: This sequence change replaces arginine, which is basic and polar, with cysteine, which is neutral and slightly polar, at codon 36 of the TK2 protein (p.Arg36Cys). This variant is not present in population databases (gnomAD no frequency). This variant has not been reported in the literature in individuals affected with TK2-related conditions. Advanced modeling of protein sequence and biophysical properties (such as structural, functional, and spatial information, amino acid conservation, physicochemical variation, residue mobility, and thermodynamic stability) performed at Invitae indicates that this missense variant is not expected to disrupt TK2 protein function. In summary, the available evidence is currently insufficient to determine the role of this variant in disease. Therefore, it has been classified as a Variant of Uncertain Significance.

NM_004614.5(TK2):c.106C>T (p.Arg36Cys)

Genes: TK2 (thymidine kinase 2; minus strand), LOC130059156 (ATAC-STARR-seq lymphoblastoid silent region 7560; plus strand). Cytogenetic location: 16q21.
Variant type: single nucleotide variant.
Coding change: c.106C>T on transcript NM_004614.5 (MANE Select); coding-DNA position 106, C replaced by T.
Protein change: p.Arg36Cys; replaces arginine 36 with cysteine.
Molecular consequence: missense variant. On other transcripts: 5 prime UTR variant (2), non-coding transcript variant (1), intron variant (2).
Genome position (GRCh38, 1-based): chr16:66,549,956, G>A on the plus strand (C>T on the coding strand, the complement: TK2 is on the minus strand). VCF-style: chr16-66549956-G-A. GRCh37 (hg19) VCF-style: chr16-66583859-G-A.
Other names: c.106C>T, p.Arg36Cys (NM_001172644.2, NM_001172645.2); c.-137C>T (NM_001271934.2); c.-547C>T (NM_001272050.2); c.31+297C>T (NM_001271935.1, NM_001172643.1); short protein forms R36C.
Identifiers: ClinVar variation 1401936 (VCV001401936.5), dbSNP rs1330434816, ClinGen allele CA396193496.